The following is an entry in ClinVar:

NM_015512.5(DNAH1):c.12569A>T (p.Glu4190Val)

Gene: DNAH1 (dynein axonemal heavy chain 1; plus strand). Cytogenetic location: 3p21.1.
Variant type: single nucleotide variant.
Coding change: c.12569A>T on transcript NM_015512.5 (MANE Select); coding-DNA position 12569, A replaced by T.
Protein change: p.Glu4190Val; replaces glutamic acid 4190 with valine.
Molecular consequence: missense variant.
Genome position (GRCh38, 1-based): chr3:52,399,672, A>T. VCF-style: chr3-52399672-A-T. GRCh37 (hg19) VCF-style: chr3-52433688-A-T.
Other names: short protein forms E4190V.
Identifiers: ClinVar variation 4241854 (VCV004241854.2).

ClinVar aggregate classification (germline): Uncertain significance. Review status: criteria provided, multiple submitters, no conflicts (2 of 4 stars). 2 submissions from 2 submitters: Uncertain significance (2). Last evaluated 2026-01-25.

Submissions (2):

GeneDx
Classification: Uncertain significance. Last evaluated: 2026-01-25. Review status: criteria provided, single submitter. Criteria: GeneDx Variant Classification Process June 2021. Collection method: clinical testing. Allele origin: germline.
Comment: Not observed at significant frequency in large population cohorts (gnomAD); In silico analysis supports that this missense variant has a deleterious effect on protein structure/function; Has not been previously published as pathogenic or benign to our knowledge

Ambry Genetics
Classification: Uncertain significance. Last evaluated: 2025-08-12. Review status: criteria provided, single submitter. Criteria: Ambry Variant Classification Scheme 2023. Collection method: clinical testing. Allele origin: germline.